The following is an entry in ClinVar:

ClinVar aggregate classification (germline): Uncertain significance (0 of 4 stars; one submission).

Conditions:
Fanconi anemia complementation group A (FANCA). Also called: Fanconi anemia, group A; FANCA-Related Fanconi Anemia. Identifiers: Orphanet 84, MedGen C3469521, MONDO:0009215, OMIM 227650.

Submission:

Leiden Open Variation Database
Classification: Uncertain significance for Fanconi anemia complementation group A. Last evaluated: 2020-02-28. Review status: no assertion criteria provided. Collection method: curation. Allele origin: germline. Affected: yes.
Comment: Curator: Arleen D. Auerbach. Submitter to LOVD: Arleen D. Auerbach.

NC_000016.10:g.(89770025_89770165)_(89779958_89782858)del

Gene: FANCA (FA complementation group A; minus strand). Cytogenetic location: 16q24.3.
Variant type: Deletion.
Identifiers: ClinVar variation 974015 (VCV000974015.1).